The following is an entry in ClinVar:

NM_005585.5(SMAD6):c.965C>T (p.Ser322Phe)

Gene: SMAD6 (SMAD family member 6; plus strand). Cytogenetic location: 15q22.31.
Variant type: single nucleotide variant.
Coding change: c.965C>T on transcript NM_005585.5 (MANE Select); coding-DNA position 965, C replaced by T.
Protein change: p.Ser322Phe; replaces serine 322 with phenylalanine.
Molecular consequence: missense variant. On other transcripts: non-coding transcript variant (1).
Genome position (GRCh38, 1-based): chr15:66,781,009, C>T. VCF-style: chr15-66781009-C-T. GRCh37 (hg19) VCF-style: chr15-67073347-C-T.
Other names: short protein forms S322F.
Identifiers: ClinVar variation 3798837 (VCV003798837.2).

ClinVar aggregate classification (germline): Uncertain significance (1 of 4 stars; one submission).

Conditions:
Inborn genetic diseases. Identifiers: MedGen C0950123, MeSH D030342.

Submission:

Ambry Genetics
Classification: Uncertain significance for Inborn genetic diseases. Last evaluated: 2025-07-29. Review status: criteria provided, single submitter. Criteria: Ambry Variant Classification Scheme 2023. Collection method: clinical testing. Allele origin: germline.
Comment: The p.S322F variant (also known as c.965C>T), located in coding exon 4 of the SMAD6 gene, results from a C to T substitution at nucleotide position 965. The serine at codon 322 is replaced by phenylalanine, an amino acid with highly dissimilar properties. This amino acid position is conserved. In addition, this alteration is predicted to be deleterious by in silico analysis. Based on the available evidence, the clinical significance of this variant remains unclear.